The following is an entry in ClinVar:

NM_152743.4(BRAT1):c.1750G>A (p.Glu584Lys)

Gene: BRAT1 (BRCA1 associated ATM activator 1; minus strand). Cytogenetic location: 7p22.3.
Variant type: single nucleotide variant.
Coding change: c.1750G>A on transcript NM_152743.4 (MANE Select); coding-DNA position 1750, G replaced by A.
Protein change: p.Glu584Lys; replaces glutamic acid 584 with lysine.
Molecular consequence: missense variant. On other transcripts: non-coding transcript variant (1).
Genome position (GRCh38, 1-based): chr7:2,539,199, C>T on the plus strand (G>A on the coding strand, the complement: BRAT1 is on the minus strand). VCF-style: chr7-2539199-C-T. GRCh37 (hg19) VCF-style: chr7-2578833-C-T.
Other names: c.1750G>A, p.Glu584Lys (NM_001350626.2); c.1225G>A, p.Glu409Lys (NM_001350627.2); short protein forms E409K, E584K.
Identifiers: ClinVar variation 2028019 (VCV002028019.4), dbSNP rs1778943417, ClinGen allele CA366626269.
Genomic context (GRCh38, chr7:2,539,199, plus strand): 5'-CAGGCGGGAGTTGCTGGCTGAGGAACCTGCCACCTCCTACCTGCCGGGCCTCTGCATGCT[C>T]AGGGCTGGTGGGGGCGTGCAGGCCCTGGCTGGACAGCTGCCCCATGGCGGTCACTGCACT-3'
Protein context (NP_689956.2, residues 574-594): SQGLHAPTSP[Glu584Lys]HAEARQSLFL

ClinVar aggregate classification (germline): Uncertain significance (1 of 4 stars; one submission).

Conditions:
Neonatal-onset encephalopathy with rigidity and seizures. Also called: Lethal neonatal spasticity-epileptic encephalopathy syndrome. Identifiers: Orphanet 435845, MedGen C3281029, MONDO:0013784, OMIM 614498.

Submission:

Labcorp Genetics (formerly Invitae), Labcorp
Classification: Uncertain significance for Neonatal-onset encephalopathy with rigidity and seizures. Last evaluated: 2024-12-02. Review status: criteria provided, single submitter. Criteria: Invitae Variant Classification Sherloc (09022015). Collection method: clinical testing. Allele origin: germline.
Comment: This sequence change replaces glutamic acid, which is acidic and polar, with lysine, which is basic and polar, at codon 584 of the BRAT1 protein (p.Glu584Lys). This variant is not present in population databases (gnomAD no frequency). This variant has not been reported in the literature in individuals affected with BRAT1-related conditions. ClinVar contains an entry for this variant (Variation ID: 2028019). Invitae Evidence Modeling of protein sequence and biophysical properties (such as structural, functional, and spatial information, amino acid conservation, physicochemical variation, residue mobility, and thermodynamic stability) indicates that this missense variant is not expected to disrupt BRAT1 protein function with a negative predictive value of 95%. In summary, the available evidence is currently insufficient to determine the role of this variant in disease. Therefore, it has been classified as a Variant of Uncertain Significance.